The following is an entry in ClinVar:

ClinVar aggregate classification (germline): Uncertain significance. Review status: criteria provided, multiple submitters, no conflicts (2 of 4 stars). 2 submissions from 2 submitters: Uncertain significance (2). Last evaluated 2022-02-17.

Allele frequency attached by ClinVar (database versions not stated): gnomAD exomes 0.00001 and 0.00003; gnomAD 0.00002; ExAC 0.00004; 1000 Genomes Project 30x 0.00031; 1000 Genomes Project 0.00040.
gnomAD v4.1: 25 of 1,614,166 alleles (0.0015%); highest among the groups gnomAD compares: South Asian, 0.024%; no homozygotes.

Submissions (2):

Ambry Genetics
Classification: Uncertain significance. Last evaluated: 2022-02-17. Review status: criteria provided, single submitter. Criteria: Ambry Variant Classification Scheme 2023. Collection method: clinical testing. Allele origin: germline.

Labcorp Genetics (formerly Invitae), Labcorp
Classification: Uncertain significance. Last evaluated: 2021-10-19. Review status: criteria provided, single submitter. Criteria: Invitae Variant Classification Sherloc (09022015). Collection method: clinical testing. Allele origin: germline.
Comment: In summary, the available evidence is currently insufficient to determine the role of this variant in disease. Therefore, it has been classified as a Variant of Uncertain Significance. Algorithms developed to predict the effect of missense changes on protein structure and function (SIFT, PolyPhen-2, Align-GVGD) all suggest that this variant is likely to be disruptive. This variant has not been reported in the literature in individuals affected with BLK-related conditions. This variant is present in population databases (rs538418869, ExAC 0.03%). This sequence change replaces glycine with arginine at codon 274 of the BLK protein (p.Gly274Arg). The glycine residue is highly conserved and there is a moderate physicochemical difference between glycine and arginine.

NM_001715.3(BLK):c.820G>A (p.Gly274Arg)

Genes: BLK (BLK proto-oncogene, Src family tyrosine kinase), BLK-AS1 (BLK antisense RNA 1). Cytogenetic location: 8p23.1.
Variant type: single nucleotide variant.
Coding change: c.820G>A on transcript NM_001715.3 (MANE Select); coding-DNA position 820, G replaced by A.
Protein change: p.Gly274Arg; replaces glycine 274 with arginine.
Molecular consequence: missense variant.
Genome position (GRCh38, 1-based): chr8:11,556,705, G>A. VCF-style: chr8-11556705-G-A. GRCh37 (hg19) VCF-style: chr8-11414214-G-A.
Other names: c.820G>A (NM_001715.2); c.607G>A, p.Gly203Arg (NM_001330465.2); short protein forms G203R, G274R.
Identifiers: ClinVar variation 1371304 (VCV001371304.8), dbSNP rs538418869, ClinGen allele CA4630119.
Genomic context (GRCh38, chr8:11,556,705, plus strand): 5'-CCCCCGGGCTCAGGTTACTACAAAAACAACATGAAGGTGGCCATTAAGACGCTGAAGGAG[G>A]GAACCATGTCTCCAGAAGCCTTTCTGGGTGAGGCCAACGTGATGAAGGCTCTGCAGCACG-3'
Protein context (NP_001706.2, residues 264-284): MKVAIKTLKE[Gly274Arg]TMSPEAFLGE